The following is an entry in ClinVar:

ClinVar aggregate classification (germline): Uncertain significance (1 of 4 stars; one submission).

Conditions:
Hereditary cancer-predisposing syndrome. Also called: Neoplastic Syndromes, Hereditary; Tumor predisposition; Hereditary Cancer Syndrome; Hereditary neoplastic syndrome. Identifiers: Orphanet 140162, MedGen C0027672, MeSH D009386, MONDO:0015356.

Allele frequency attached by ClinVar (database versions not stated): gnomAD exomes below 0.00001; ExAC 0.00001; gnomAD 0.00001.
gnomAD v4.1: 2 of 1,613,954 alleles (0.00012%); highest among the groups gnomAD compares: African/African-American, 0.0013%; no homozygotes.

Submission:

Ambry Genetics
Classification: Uncertain significance for Hereditary cancer-predisposing syndrome. Last evaluated: 2024-01-14. Review status: criteria provided, single submitter. Criteria: Ambry Variant Classification Scheme 2023. Collection method: clinical testing. Allele origin: germline.
Comment: The p.E592A variant (also known as c.1775A>C), located in coding exon 12 of the CTNNA1 gene, results from an A to C substitution at nucleotide position 1775. The glutamic acid at codon 592 is replaced by alanine, an amino acid with dissimilar properties. This amino acid position is conserved. In addition, the in silico prediction for this alteration is inconclusive. Since supporting evidence is limited at this time, the clinical significance of this alteration remains unclear.

NM_001903.5(CTNNA1):c.1775A>C (p.Glu592Ala)

Gene: CTNNA1 (catenin alpha 1; plus strand). Cytogenetic location: 5q31.2.
Variant type: single nucleotide variant.
Coding change: c.1775A>C on transcript NM_001903.5 (MANE Select); coding-DNA position 1775, A replaced by C.
Protein change: p.Glu592Ala; replaces glutamic acid 592 with alanine.
Molecular consequence: missense variant.
Genome position (GRCh38, 1-based): chr5:138,925,283, A>C. VCF-style: chr5-138925283-A-C. GRCh37 (hg19) VCF-style: chr5-138260972-A-C.
Other names: c.1775A>C, p.Glu592Ala (NM_001290307.3, NM_001323982.2, NM_001323983.1 and 2 more transcripts); c.1466A>C, p.Glu489Ala (NM_001290309.3); c.1406A>C, p.Glu469Ala (NM_001290310.3); c.665A>C, p.Glu222Ala (NM_001290312.1, NM_001323987.1, NM_001323988.1 and 17 more transcripts); c.1682A>C, p.Glu561Ala (NM_001323986.2); c.326A>C, p.Glu109Ala (NM_001324006.1, NM_001324007.1, NM_001324008.1 and 2 more transcripts); c.572A>C, p.Glu191Ala (NM_001324011.1); c.422A>C, p.Glu141Ala (NM_001324012.1, NM_001324013.1); short protein forms E109A, E222A, E489A, E141A, E561A, E592A, E191A, E469A.
Identifiers: ClinVar variation 1779855 (VCV001779855.2), dbSNP rs775570045, ClinGen allele CA3432033.